The following is an entry in ClinVar:

NM_001378964.1(CDON):c.*1061T>C

Gene: CDON (cell adhesion associated, oncogene regulated; minus strand). Cytogenetic location: 11q24.2.
Variant type: single nucleotide variant.
Coding change: c.*1061T>C on transcript NM_001378964.1 (MANE Select); 1061 bases downstream of the stop codon, T replaced by C.
Molecular consequence: 3 prime UTR variant.
Genome position (GRCh38, 1-based): chr11:125,959,881, A>G on the plus strand (T>C on the coding strand, the complement: CDON is on the minus strand). VCF-style: chr11-125959881-A-G. GRCh37 (hg19) VCF-style: chr11-125829776-A-G.
Other names: c.*1061T>C (NM_001243597.3, NM_016952.6).
Identifiers: ClinVar variation 303471 (VCV000303471.5), dbSNP rs114455813, ClinGen allele CA10637804.
Genomic context (GRCh38, chr11:125,959,881, plus strand): 5'-TGAAAATGTGTATCTTTCTCTTCAAGCCACCATTTAATGTCTTATTTTGTTCCTACTCCG[A>G]GAAACAGTCAAAAAGAGCCCATAGTGGCCATTTTATAAATTAATGTAATTTTAAAGCAGT-3'

ClinVar aggregate classification (germline): Benign (1 of 4 stars; one submission).

Conditions:
Holoprosencephaly 11 (HPE11). Identifiers: Orphanet 2162, MedGen C3280215, MONDO:0013642, OMIM 614226.

Allele frequency attached by ClinVar (database versions not stated): gnomAD 0.00524 and 0.00548; TOPMed 0.00602; 1000 Genomes Project 30x 0.00859; 1000 Genomes Project 0.00879.

Submission:

Illumina Laboratory Services, Illumina
Classification: Benign for Holoprosencephaly 11. Last evaluated: 2018-01-12. Review status: criteria provided, single submitter. Criteria: ICSL Variant Classification Criteria 13 December 2019. Collection method: clinical testing. Allele origin: germline.
Comment: This variant was observed in the ICSL laboratory as part of a predisposition screen in an ostensibly healthy population. It had not been previously curated by ICSL or reported in the Human Gene Mutation Database (HGMD: prior to June 1st, 2018), and was therefore a candidate for classification through an automated scoring system. Utilizing variant allele frequency, disease prevalence and penetrance estimates, and inheritance mode, an automated score was calculated to assess if this variant is too frequent to cause the disease. Based on the score and internal cut-off values, a variant classified as benign is not then subjected to further curation. The score for this variant resulted in a classification of benign for this disease.